The following is an entry in ClinVar:

NM_006514.4(SCN10A):c.1096C>A (p.Leu366Met)

Gene: SCN10A (sodium voltage-gated channel alpha subunit 10; minus strand). Cytogenetic location: 3p22.2.
Variant type: single nucleotide variant.
Coding change: c.1096C>A on transcript NM_006514.4 (MANE Select); coding-DNA position 1096, C replaced by A.
Protein change: p.Leu366Met; replaces leucine 366 with methionine.
Molecular consequence: missense variant.
Genome position (GRCh38, 1-based): chr3:38,756,868, G>T on the plus strand (C>A on the coding strand, the complement: SCN10A is on the minus strand). VCF-style: chr3-38756868-G-T. GRCh37 (hg19) VCF-style: chr3-38798359-G-T.
Other names: c.1096C>A, p.Leu366Met (NM_001293306.2, NM_001293307.2); short protein forms L366M.
Identifiers: ClinVar variation 1313533 (VCV001313533.4), dbSNP rs2126028404, ClinGen allele CA352169978.

ClinVar aggregate classification (germline): Uncertain significance. Review status: criteria provided, multiple submitters, no conflicts (2 of 4 stars). 2 submissions from 2 submitters: Uncertain significance (2). Last evaluated 2022-05-09.

Conditions:
Cardiovascular phenotype. Identifiers: MedGen CN230736.

Submissions (2):

Ambry Genetics
Classification: Uncertain significance for Cardiovascular phenotype. Last evaluated: 2022-05-09. Review status: criteria provided, single submitter. Criteria: Ambry Variant Classification Scheme 2023. Collection method: clinical testing. Allele origin: germline.
Comment: The p.L366M variant (also known as c.1096C>A), located in coding exon 9 of the SCN10A gene, results from a C to A substitution at nucleotide position 1096. The leucine at codon 366 is replaced by methionine, an amino acid with highly similar properties. This amino acid position is conserved. In addition, the in silico prediction for this alteration is inconclusive. Since supporting evidence is limited at this time, the clinical significance of this alteration remains unclear.

GeneDx
Classification: Uncertain significance. Last evaluated: 2020-10-26. Review status: criteria provided, single submitter. Criteria: GeneDx Variant Classification Process June 2021. Collection method: clinical testing. Allele origin: germline. Affected: yes.
Comment: Not observed in large population cohorts (Lek et al., 2016); In silico analysis supports that this missense variant does not alter protein structure/function; Has not been previously published as pathogenic or benign to our knowledge